The following is an entry in ClinVar:

NM_004655.4(AXIN2):c.996G>C (p.Gln332His)

Gene: AXIN2 (axin 2; minus strand). Cytogenetic location: 17q24.1.
Variant type: single nucleotide variant.
Coding change: c.996G>C on transcript NM_004655.4 (MANE Select); coding-DNA position 996, G replaced by C.
Protein change: p.Gln332His; replaces glutamine 332 with histidine.
Molecular consequence: missense variant.
Genome position (GRCh38, 1-based): chr17:65,541,518, C>G on the plus strand (G>C on the coding strand, the complement: AXIN2 is on the minus strand). VCF-style: chr17-65541518-C-G. GRCh37 (hg19) VCF-style: chr17-63537636-C-G.
Other names: c.996G>C, p.Gln332His (NM_001363813.1); short protein forms Q332H.
Identifiers: ClinVar variation 3470975 (VCV003470975.1).

ClinVar aggregate classification (germline): Uncertain significance (1 of 4 stars; one submission).

Conditions:
Hereditary cancer-predisposing syndrome. Also called: Tumor predisposition; Neoplastic Syndromes, Hereditary; Hereditary neoplastic syndrome; Hereditary Cancer Syndrome. Identifiers: Orphanet 140162, MedGen C0027672, MeSH D009386, MONDO:0015356.

Submission:

Ambry Genetics
Classification: Uncertain significance for Hereditary cancer-predisposing syndrome. Last evaluated: 2024-11-26. Review status: criteria provided, single submitter. Criteria: Ambry Variant Classification Scheme 2023. Collection method: clinical testing. Allele origin: germline.
Comment: The p.Q332H variant (also known as c.996G>C), located in coding exon 3 of the AXIN2 gene, results from a G to C substitution at nucleotide position 996. The glutamine at codon 332 is replaced by histidine, an amino acid with highly similar properties. This amino acid position is conserved. In addition, this alteration is predicted to be tolerated by in silico analysis. Based on the available evidence, the clinical significance of this variant remains unclear.